The following is an entry in ClinVar:

ClinVar aggregate classification (germline): Conflicting classifications of pathogenicity. Review status: criteria provided, conflicting classifications (1 of 4 stars). 2 submissions from 2 submitters: Uncertain significance (1); Likely benign (1). Last evaluated 2023-07-30.

Conditions:
Hereditary cancer-predisposing syndrome. Also called: Hereditary neoplastic syndrome; Neoplastic Syndromes, Hereditary; Tumor predisposition; Hereditary Cancer Syndrome. Identifiers: Orphanet 140162, MedGen C0027672, MeSH D009386, MONDO:0015356.
Hereditary breast ovarian cancer syndrome. Also called: Hereditary breast and ovarian cancer syndrome (HBOC); Breast and ovarian cancer; Hereditary breast and/or ovarian cancer syndrome; BRCA1- and BRCA2-Associated Hereditary Breast and Ovarian Cancer; Hereditary breast and ovarian cancer syndrome; Hereditary breast and ovarian cancer. Identifiers: Orphanet 145, MedGen C0677776, MeSH D061325, MONDO:0003582. Disease mechanism: loss of function.

Submissions (2):

Labcorp Genetics (formerly Invitae), Labcorp
Classification: Uncertain significance for Hereditary breast ovarian cancer syndrome. Last evaluated: 2023-07-30. Review status: criteria provided, single submitter. Criteria: Invitae Variant Classification Sherloc (09022015). Collection method: clinical testing. Allele origin: germline.
Comment: This variant has not been reported in the literature in individuals affected with BRCA2-related conditions. ClinVar contains an entry for this variant (Variation ID: 185344). Advanced modeling performed at Invitae incorporating data from internal and/or published experimental studies (PMID: 33609447) indicates that this missense variant is not expected to disrupt BRCA2 function. In summary, the available evidence is currently insufficient to determine the role of this variant in disease. Therefore, it has been classified as a Variant of Uncertain Significance. This variant is not present in population databases (gnomAD no frequency). This sequence change replaces methionine, which is neutral and non-polar, with threonine, which is neutral and polar, at codon 2634 of the BRCA2 protein (p.Met2634Thr).

Ambry Genetics
Classification: Likely benign for Hereditary cancer-predisposing syndrome. Last evaluated: 2020-02-25. Review status: criteria provided, single submitter. Criteria: Ambry Variant Classification Scheme 2023. Collection method: clinical testing. Allele origin: germline.

Literature cited by the submitters: PubMed 33609447 (cited by Labcorp Genetics (formerly Invitae), Labcorp).

NM_000059.4(BRCA2):c.7901T>C (p.Met2634Thr)

Gene: BRCA2 (BRCA2 DNA repair associated; plus strand). Cytogenetic location: 13q13.1.
Variant type: single nucleotide variant.
Coding change: c.7901T>C on transcript NM_000059.4 (MANE Select); coding-DNA position 7901, T replaced by C.
Protein change: p.Met2634Thr; replaces methionine 2634 with threonine.
Molecular consequence: missense variant.
Genome position (GRCh38, 1-based): chr13:32,362,618, T>C. VCF-style: chr13-32362618-T-C. GRCh37 (hg19) VCF-style: chr13-32936755-T-C.
Other names: short protein forms M2634T.
Identifiers: ClinVar variation 185344 (VCV000185344.14), dbSNP rs786202102, ClinGen allele CA025326.
Genomic context (GRCh38, chr13:32,362,618, plus strand): 5'-TTATTTCTAGAATTTGGGTTTATAATCACTATAGATGGATCATATGGAAACTGGCAGCTA[T>C]GGAATGTGCCTTTCCTAAGGAATTTGCTAATAGATGCCTAAGCCCAGAAAGGGTGCTTCT-3'
Protein context (NP_000050.3, residues 2624-2644): YRWIIWKLAA[Met2634Thr]ECAFPKEFAN